The following is an entry in ClinVar:

NM_001127222.2(CACNA1A):c.2893G>C (p.Gly965Arg)

Gene: CACNA1A (calcium voltage-gated channel subunit alpha1 A; minus strand). Cytogenetic location: 19p13.13.
Variant type: single nucleotide variant.
Coding change: c.2893G>C on transcript NM_001127222.2 (MANE Select); coding-DNA position 2893, G replaced by C.
Protein change: p.Gly965Arg; replaces glycine 965 with arginine.
Molecular consequence: missense variant.
Genome position (GRCh38, 1-based): chr19:13,298,740, C>G on the plus strand (G>C on the coding strand, the complement: CACNA1A is on the minus strand). VCF-style: chr19-13298740-C-G. GRCh37 (hg19) VCF-style: chr19-13409554-C-G.
Other names: c.2905G>C, p.Gly969Arg (NM_000068.4, NM_023035.3); c.2896G>C, p.Gly966Arg (NM_001127221.2, NM_001174080.2); short protein forms G965R, G966R, G969R.
Identifiers: ClinVar variation 2581818 (VCV002581818.1), dbSNP rs1473069840, ClinGen allele CA404342506.

ClinVar aggregate classification (germline): Uncertain significance (1 of 4 stars; one submission).

Allele frequency attached by ClinVar (database versions not stated): TOPMed below 0.00001; gnomAD 0.00001.
gnomAD v4.1: 3 of 1,503,228 alleles (0.0002%); highest among the groups gnomAD compares: African/African-American, 0.0015%; no homozygotes.

Submission:

GeneDx
Classification: Uncertain significance. Last evaluated: 2023-03-28. Review status: criteria provided, single submitter. Criteria: GeneDx Variant Classification Process June 2021. Collection method: clinical testing. Allele origin: germline. Affected: yes.
Comment: Not observed at significant frequency in large population cohorts (gnomAD); In silico analysis supports that this missense variant does not alter protein structure/function; Has not been previously published as pathogenic or benign to our knowledge